The following is an entry in ClinVar:

ClinVar aggregate classification (germline): Uncertain significance (1 of 4 stars; one submission).

Conditions:
Adams-Oliver syndrome 5 (AOS5). Identifiers: Orphanet 974, MedGen C4014970, MONDO:0014459, OMIM 616028.

Submission:

Labcorp Genetics (formerly Invitae), Labcorp
Classification: Uncertain significance for Adams-Oliver syndrome 5. Last evaluated: 2023-12-01. Review status: criteria provided, single submitter. Criteria: Invitae Variant Classification Sherloc (09022015). Collection method: clinical testing. Allele origin: germline.
Comment: This sequence change replaces proline, which is neutral and non-polar, with leucine, which is neutral and non-polar, at codon 67 of the NOTCH1 protein (p.Pro67Leu). This variant is not present in population databases (gnomAD no frequency). This variant has not been reported in the literature in individuals affected with NOTCH1-related conditions. Advanced modeling of protein sequence and biophysical properties (such as structural, functional, and spatial information, amino acid conservation, physicochemical variation, residue mobility, and thermodynamic stability) performed at Invitae indicates that this missense variant is not expected to disrupt NOTCH1 protein function with a negative predictive value of 95%. In summary, the available evidence is currently insufficient to determine the role of this variant in disease. Therefore, it has been classified as a Variant of Uncertain Significance.

NM_017617.5(NOTCH1):c.200C>T (p.Pro67Leu)

Gene: NOTCH1 (notch receptor 1; minus strand). Cytogenetic location: 9q34.3.
Variant type: single nucleotide variant.
Coding change: c.200C>T on transcript NM_017617.5 (MANE Select); coding-DNA position 200, C replaced by T.
Protein change: p.Pro67Leu; replaces proline 67 with leucine.
Molecular consequence: missense variant.
Genome position (GRCh38, 1-based): chr9:136,523,920, G>A on the plus strand (C>T on the coding strand, the complement: NOTCH1 is on the minus strand). VCF-style: chr9-136523920-G-A. GRCh37 (hg19) VCF-style: chr9-139418372-G-A.
Other names: short protein forms P67L.
Identifiers: ClinVar variation 2699986 (VCV002699986.3), dbSNP rs1843418088, ClinGen allele CA375573081.